The following is an entry in ClinVar:

NM_001110556.2(FLNA):c.621G>C (p.Pro207=)

Gene: FLNA (filamin A; minus strand). Cytogenetic location: Xq28.
Variant type: single nucleotide variant.
Coding change: c.621G>C on transcript NM_001110556.2 (MANE Select); coding-DNA position 621, G replaced by C.
Protein change: p.Pro207=; no amino-acid change (proline 207 retained).
Molecular consequence: synonymous variant.
Genome position (GRCh38, 1-based): chrX:154,367,843, C>G on the plus strand (G>C on the coding strand, the complement: FLNA is on the minus strand). VCF-style: chrX-154367843-C-G. GRCh37 (hg19) VCF-style: chrX-153596211-C-G.
Other names: c.621G>C, p.Pro207= (NM_001456.4).
Identifiers: ClinVar variation 2112621 (VCV002112621.5), dbSNP rs200632859, ClinGen allele CA519709833.

ClinVar aggregate classification (germline): Conflicting classifications of pathogenicity. Review status: criteria provided, conflicting classifications (1 of 4 stars). 2 submissions from 2 submitters: Uncertain significance (1); Likely benign (1). Last evaluated 2022-05-13.

Conditions:
Oto-palato-digital syndrome, type II (OPD2). Also called: FACIOPALATOOSSEOUS SYNDROME; Otopalatodigital Syndrome Type 2 (FLNA-OPD2); OPD II SYNDROME; Otopalatodigital Syndrome, Type II. Identifiers: Orphanet 669, Orphanet 90652, MedGen C1844696, MONDO:0010571, OMIM 304120.
Frontometaphyseal dysplasia (FMD1). Identifiers: Orphanet 1826, MedGen C0265293, MONDO:0015942.
Heterotopia, periventricular, X-linked dominant (PVNH1). Also called: PERIVENTRICULAR NODULAR HETEROTOPIA 1; X-linked periventricular heterotopia; PERIVENTRICULAR NODULAR HETEROTOPIA 4; HETEROTOPIA, PERIVENTRICULAR, 1. Identifiers: Orphanet 2149, Orphanet 82004, MedGen C1848213, MONDO:0010233, OMIM 300049.
Melnick-Needles syndrome (MNS). Also called: Melnick-Needles Syndrome (FLNA-MNS); OSTEODYSPLASTY OF MELNICK AND NEEDLES; MELNICK-NEEDLES OSTEODYSPLASTY. Identifiers: Orphanet 2484, MedGen C0025237, MONDO:0010650, OMIM 309350.

Submissions (2):

Blueprint Genetics
Classification: Likely benign. Last evaluated: 2022-05-13. Review status: criteria provided, single submitter. Criteria: ACMG Guidelines, 2015. Collection method: clinical testing. Allele origin: germline.

Labcorp Genetics (formerly Invitae), Labcorp
Classification: Uncertain significance for Oto-palato-digital syndrome, type II; Heterotopia, periventricular, X-linked dominant; Frontometaphyseal dysplasia; Melnick-Needles syndrome. Last evaluated: 2022-05-04. Review status: criteria provided, single submitter. Criteria: Invitae Variant Classification Sherloc (09022015). Collection method: clinical testing. Allele origin: germline.
Comment: This variant is not present in population databases (gnomAD no frequency). This sequence change affects codon 207 of the FLNA mRNA. It is a 'silent' change, meaning that it does not change the encoded amino acid sequence of the FLNA protein. It affects a nucleotide within the consensus splice site. This variant has not been reported in the literature in individuals affected with FLNA-related conditions. Algorithms developed to predict the effect of sequence changes on RNA splicing suggest that this variant is not likely to affect RNA splicing. In summary, the available evidence is currently insufficient to determine the role of this variant in disease. Therefore, it has been classified as a Variant of Uncertain Significance.